The following is an entry in ClinVar:

ClinVar aggregate classification (germline): Uncertain significance. Review status: criteria provided, multiple submitters, no conflicts (2 of 4 stars). 5 submissions from 5 submitters: Uncertain significance (5). Last evaluated 2025-12-09.

Conditions:
Brugada syndrome. Also called: Sudden unexpected nocturnal death syndrome; Sudden unexplained nocturnal death syndrome; Sudden Unexplained Death Syndrome; Sudden Unexplained Nocturnal Death Syndrome (SUNDS). Identifiers: Orphanet 130, MedGen C1142166, MONDO:0015263.
Cardiovascular phenotype. Identifiers: MedGen CN230736.

Allele frequency attached by ClinVar (database versions not stated): gnomAD 0.00003 and 0.00002; TOPMed 0.00002; ExAC 0.00003; 1000 Genomes Project 0.00020; 1000 Genomes Project 30x 0.00031; gnomAD exomes 0.00002 and below 0.00001.

Submissions (5):

Labcorp Genetics (formerly Invitae), Labcorp
Classification: Uncertain significance for Brugada syndrome. Last evaluated: 2025-12-09. Review status: criteria provided, single submitter. Criteria: Invitae Variant Classification Sherloc (09022015). Collection method: clinical testing. Allele origin: germline.
Comment: This sequence change replaces valine, which is neutral and non-polar, with methionine, which is neutral and non-polar, at codon 1024 of the SCN10A protein (p.Val1024Met). This variant is present in population databases (rs201106879, gnomAD 0.01%). This variant has not been reported in the literature in individuals affected with SCN10A-related conditions. ClinVar contains an entry for this variant (Variation ID: 463246). Invitae Evidence Modeling of protein sequence and biophysical properties (such as structural, functional, and spatial information, amino acid conservation, physicochemical variation, residue mobility, and thermodynamic stability) indicates that this missense variant is not expected to disrupt SCN10A protein function with a negative predictive value of 95%. In summary, the available evidence is currently insufficient to determine the role of this variant in disease. Therefore, it has been classified as a Variant of Uncertain Significance.

Women's Health and Genetics/Laboratory Corporation of America, LabCorp
Classification: Uncertain significance. Last evaluated: 2025-09-08. Review status: criteria provided, single submitter. Criteria: LabCorp Variant Classification Summary - May 2015. Collection method: clinical testing. Allele origin: germline.
Comment: Variant summary: SCN10A c.3070G>A (p.Val1024Met) results in a conservative amino acid change in the encoded protein sequence. Algorithms developed to predict the effect of missense changes on protein structure and function all suggest that this variant is likely to be tolerated. The variant allele was found at a frequency of 2.1e-05 in 243042 control chromosomes. The available data on variant occurrences in the general population are insufficient to allow any conclusion about variant significance. To our knowledge, no occurrence of c.3070G>A in individuals affected with SCN10A-related conditions and no experimental evidence demonstrating its impact on protein function have been reported. ClinVar contains an entry for this variant (Variation ID: 463246). Based on the evidence outlined above, the variant was classified as uncertain significance.

Ambry Genetics
Classification: Uncertain significance for Cardiovascular phenotype. Last evaluated: 2025-02-27. Review status: criteria provided, single submitter. Criteria: Ambry Variant Classification Scheme 2023. Collection method: clinical testing. Allele origin: germline.
Comment: The p.V1024M variant (also known as c.3070G>A), located in coding exon 16 of the SCN10A gene, results from a G to A substitution at nucleotide position 3070. The valine at codon 1024 is replaced by methionine, an amino acid with highly similar properties. This amino acid position is poorly conserved in available vertebrate species. In addition, this alteration is predicted to be tolerated by in silico analysis. Since supporting evidence is limited at this time, the clinical significance of this alteration remains unclear.

GeneDx
Classification: Uncertain significance. Last evaluated: 2024-02-28. Review status: criteria provided, single submitter. Criteria: GeneDx Variant Classification Process June 2021. Collection method: clinical testing. Allele origin: germline. Affected: yes.
Comment: Reported in an individual with early onset atrial fibrillation and a structurally normal heart who also harbored a truncating variant in the TTN gene (PMID: 31638414); Not observed at significant frequency in large population cohorts (gnomAD); In silico analysis supports that this missense variant does not alter protein structure/function; This variant is associated with the following publications: (PMID: 24998131, 23986244, 31638414)

Stanford Center for Inherited Cardiovascular Disease, Stanford University
Classification: Uncertain significance. Last evaluated: 2017-04-25. Review status: criteria provided, single submitter. Criteria: ACMG Guidelines, 2015. Collection method: provider interpretation. Allele origin: germline.

NM_006514.4(SCN10A):c.3070G>A (p.Val1024Met)

Genes: SCN10A (sodium voltage-gated channel alpha subunit 10; minus strand), LOC110121288 (VISTA enhancer hs2268; plus strand). Cytogenetic location: 3p22.2.
Variant type: single nucleotide variant.
Coding change: c.3070G>A on transcript NM_006514.4 (MANE Select); coding-DNA position 3070, G replaced by A.
Protein change: p.Val1024Met; replaces valine 1024 with methionine.
Molecular consequence: missense variant.
Genome position (GRCh38, 1-based): chr3:38,726,623, C>T on the plus strand (G>A on the coding strand, the complement: SCN10A is on the minus strand). VCF-style: chr3-38726623-C-T. GRCh37 (hg19) VCF-style: chr3-38768114-C-T.
Other names: c.3070G>A, p.Val1024Met (NM_001293306.2); c.2776G>A, p.Val926Met (NM_001293307.2); short protein forms V1024M, V926M.
Identifiers: ClinVar variation 463246 (VCV000463246.14), dbSNP rs201106879, ClinGen allele CA2320377.
Genomic context (GRCh38, chr3:38,726,623, plus strand): 5'-CCCTCCCCACTGCCTGTGGCTGTCCCTTGGGGATAACTCTTACCTGTCCTTTGGGGATCA[C>T]TTCCTGCTGGAAGCTCTGAGCATCTTCCCCACCATCATCCTCCAAGTCATCAAGATCAGA-3'
Protein context (NP_006505.4, residues 1014-1034): GEDAQSFQQE[Val1024Met]IPKGQQEQLQ